The following is an entry in ClinVar:

ClinVar aggregate classification (germline): Uncertain significance. Review status: criteria provided, multiple submitters, no conflicts (2 of 4 stars). 2 submissions from 2 submitters: Uncertain significance (2). Last evaluated 2021-07-13.

Conditions:
Emery-Dreifuss muscular dystrophy 4, autosomal dominant (EDMD4). Also called: EMERY-DREIFUSS MUSCULAR DYSTROPHY 4 WITH VARIABLE FEATURES. Identifiers: Orphanet 261, MedGen C2751807, MONDO:0013071, OMIM 612998.
Autosomal recessive ataxia, Beauce type. Also called: SYNE1 Deficiency; Spinocerebellar ataxia, autosomal recessive 8; ATAXIA, RECESSIVE, OF BEAUCE; SYNE1-Related Autosomal Recessive Cerebellar Ataxia. Identifiers: Orphanet 88644, MedGen C1853116, MONDO:0012549, OMIM 610743.

Allele frequency attached by ClinVar (database versions not stated): gnomAD 0.00001; TOPMed 0.00002.
gnomAD v4.1: 3 of 1,613,748 alleles (0.00019%); highest among the groups gnomAD compares: African/African-American, 0.0027%; no homozygotes.

Submissions (2):

Labcorp Genetics (formerly Invitae), Labcorp
Classification: Uncertain significance for Emery-Dreifuss muscular dystrophy 4, autosomal dominant; Autosomal recessive ataxia, Beauce type. Last evaluated: 2021-07-13. Review status: criteria provided, single submitter. Criteria: Invitae Variant Classification Sherloc (09022015). Collection method: clinical testing. Allele origin: germline.
Comment: Algorithms developed to predict the effect of missense changes on protein structure and function output the following: SIFT: "Tolerated"; PolyPhen-2: "Benign"; Align-GVGD: "Class C0". The serine amino acid residue is found in multiple mammalian species, which suggests that this missense change does not adversely affect protein function. In summary, the available evidence is currently insufficient to determine the role of this variant in disease. Therefore, it has been classified as a Variant of Uncertain Significance. This sequence change replaces glycine with serine at codon 3064 of the SYNE1 protein (p.Gly3064Ser). The glycine residue is highly conserved and there is a small physicochemical difference between glycine and serine. This variant is present in population databases (rs766846025, ExAC 0.01%). This variant has not been reported in the literature in individuals affected with SYNE1-related conditions. ClinVar contains an entry for this variant (Variation ID: 500401).

Eurofins Ntd Llc (ga)
Classification: Uncertain significance. Last evaluated: 2017-02-08. Review status: criteria provided, single submitter. Criteria: EGL Classification Definitions 2015. Collection method: clinical testing. Allele origin: germline. Observed: 1 variant allele, 1 heterozygote.

NM_182961.4(SYNE1):c.9169G>A (p.Gly3057Ser)

Gene: SYNE1 (spectrin repeat containing nuclear envelope protein 1; minus strand). Cytogenetic location: 6q25.2.
Variant type: single nucleotide variant.
Coding change: c.9169G>A on transcript NM_182961.4 (MANE Select); coding-DNA position 9169, G replaced by A.
Protein change: p.Gly3057Ser; replaces glycine 3057 with serine.
Molecular consequence: missense variant.
Genome position (GRCh38, 1-based): chr6:152,376,536, C>T on the plus strand (G>A on the coding strand, the complement: SYNE1 is on the minus strand). VCF-style: chr6-152376536-C-T. GRCh37 (hg19) VCF-style: chr6-152697671-C-T.
Other names: c.9190G>A, p.Gly3064Ser (NM_033071.5); short protein forms G3057S, G3064S.
Identifiers: ClinVar variation 500401 (VCV000500401.12), dbSNP rs766846025, ClinGen allele CA4057377.